The following is an entry in ClinVar:

NM_017667.4(VPS50):c.1989T>C (p.Thr663=)

Gene: VPS50 (VPS50 subunit of EARP/GARPII complex; plus strand). Cytogenetic location: 7q21.3.
Variant type: single nucleotide variant.
Coding change: c.1989T>C on transcript NM_017667.4 (MANE Select); coding-DNA position 1989, T replaced by C.
Protein change: p.Thr663=; no amino-acid change (threonine 663 retained).
Molecular consequence: synonymous variant.
Genome position (GRCh38, 1-based): chr7:93,334,128, T>C. VCF-style: chr7-93334128-T-C. GRCh37 (hg19) VCF-style: chr7-92963440-T-C.
Other names: c.1899T>C, p.Thr633= (NM_001257998.2).
Identifiers: ClinVar variation 4872469 (VCV004872469.2).

ClinVar aggregate classification (germline): Likely benign (1 of 4 stars; one submission).

gnomAD v4.1: 1,291 of 1,589,536 alleles (0.081%); highest among the groups gnomAD compares: Non-Finnish European, 0.1%; 2 homozygotes.

Submission:

CeGaT Center for Human Genetics Tuebingen
Classification: Likely benign. Last evaluated: 2026-04-01. Review status: criteria provided, single submitter. Criteria: CeGaT Center For Human Genetics Tuebingen Variant Classification Criteria Version 2. Collection method: clinical testing. Allele origin: germline. Affected: yes. Observed: 1 variant allele.
Comment: VPS50: BP4, BP7